The following is an entry in ClinVar:

ClinVar aggregate classification (germline): Uncertain significance. Review status: criteria provided, multiple submitters, no conflicts (2 of 4 stars). 5 submissions from 5 submitters: Uncertain significance (5). Last evaluated 2025-12-12.

Conditions:
Cardiovascular phenotype. Identifiers: MedGen CN230736.
Long QT syndrome (LQTS). Identifiers: MedGen C0023976, MeSH D008133, MONDO:0002442. Disease mechanism: loss of function. Inheritance: Various modes of inheritance.

Allele frequency attached by ClinVar (database versions not stated): gnomAD 0.00001; ExAC 0.00002; gnomAD exomes 0.00002.
gnomAD v4.1: 14 of 939,432 alleles (0.0015%); highest among the groups gnomAD compares: African/African-American, 0.0056%; 4 homozygotes.

Submissions (6):

Labcorp Genetics (formerly Invitae), Labcorp
Classification: Uncertain significance for Long QT syndrome. Last evaluated: 2025-12-12. Review status: criteria provided, single submitter. Criteria: Invitae Variant Classification Sherloc (09022015). Collection method: clinical testing. Allele origin: germline.
Comment: This sequence change replaces arginine, which is basic and polar, with cysteine, which is neutral and slightly polar, at codon 32 of the KCNE1 protein (p.Arg32Cys). This variant is present in population databases (rs200963514, gnomAD 0.009%). This missense change has been observed in individuals with Long QT Syndrome and/or sudden unexpected death (PMID: 23382499, 35352813; internal data). ClinVar contains an entry for this variant (Variation ID: 191466). Invitae Evidence Modeling of protein sequence and biophysical properties (such as structural, functional, and spatial information, amino acid conservation, physicochemical variation, residue mobility, and thermodynamic stability) has been performed for this missense variant. However, the output from this modeling did not meet the statistical confidence thresholds required to predict the impact of this variant on KCNE1 protein function. Experimental studies are conflicting or provide insufficient evidence to determine the effect of this variant on KCNE1 function (PMID: 24314077, 38816749). In summary, the available evidence is currently insufficient to determine the role of this variant in disease. Therefore, it has been classified as a Variant of Uncertain Significance.

Ambry Genetics
Classification: Uncertain significance for Cardiovascular phenotype. Last evaluated: 2024-09-12. Review status: criteria provided, single submitter. Criteria: Ambry Variant Classification Scheme 2023. Collection method: clinical testing. Allele origin: germline.
Comment: The p.R32C variant (also known as c.94C>T), located in coding exon 1 of the KCNE1 gene, results from a C to T substitution at nucleotide position 94. The arginine at codon 32 is replaced by cysteine, an amino acid with highly dissimilar properties. This variant was detected in family members of a sudden death case; however, clinical details were limited and a co-occurring KCNH2 variant was also reported in one individual (McGorrian C et al. Europace, 2013 Jul;15:1050-8). This variant has also been detected in an individual referred for long QT syndrome genetic testing (Murphy J et al. Ir J Med Sci. 2024 Aug;193(4):1775-1785). This amino acid position is not well conserved in available vertebrate species. In addition, this alteration is predicted to be tolerated by in silico analysis. Based on the available evidence, the clinical significance of this variant remains unclear.

AiLife Diagnostics
Classification: Uncertain significance. Last evaluated: 2021-11-09. Review status: criteria provided, single submitter. Criteria: ACMG Guidelines, 2015. Collection method: clinical testing. Allele origin: germline. Affected: yes. Observed: 1 variant allele.

GeneDx
Classification: Uncertain significance. Last evaluated: 2018-03-20. Review status: criteria provided, single submitter. Criteria: GeneDx Variant Classification (06012015). Collection method: clinical testing. Allele origin: germline. Affected: yes.
Comment: The R32C variant has been observed in three of four relatives from a family with LQTS (McGorrian et al., 2013). Specific clinical details for the these family members were not provided, therefore, it was unclear which, if any, of these relatives carried a diagnosis of LQTS. Furthermore, one individual also harbored a reportedly de novo variant in the KCNH2 gene. This family includes one relative with a diagnosis of sudden arrhythmic death, though it was not clear whether this individual also had a diagnosis of LQTS or was included in those relatives from this family who received molecular analysis. The R32C variant has also been reported in one individual from a cohort of individuals not selected for a history of cardiomyopathy, arrhythmia or family history of sudden cardiac death who underwent exome sequencing (Ng et al., 2013); however, no follow-up cardiac evaluation was reported. The R32C variant is observed in 3/33580 (0.0089%) alleles from individuals of Latino background in large population cohorts (Lek et al., 2016). The R32C variant is a non-conservative amino acid substitution, which is likely to impact secondary protein structure as these residues differ in polarity, charge, size and/or other properties. However, in-silico analyses, including protein predictors and evolutionary conservation, support that this variant does not alter protein structure/function. We interpret the R32C variant as a variant of uncertain significance.

Biesecker Lab/Clinical Genomics Section, National Institutes of Health
Classification: Uncertain significance. Last evaluated: 2013-06-24. Review status: criteria provided, single submitter. Criteria: Ng et al. (Circ Cardiovasc Genet. 2013). Collection method: research. Allele origin: unknown. Observed: 1 variant allele. Study: ClinSeq.
Comment: The study set was not selected for affection status in relation to any cancer. Pathogenicity categories were based on literature curation. See Pubmed ID:23861362 for details.

Medical sequencing

Roden Lab, Vanderbilt University Medical Center
No classification provided (evidence only). Condition: Long QT syndrome 5. Review status: no classification provided. Collection method: in vitro. Allele origin: not applicable. Functional consequence: Effect on ion channel function. Not counted in ClinVar's aggregate classification.
ClinVar note: "not provided" was previously submitted as the classification for the variant. However, the classification appeared to be based only on an observation of functional data so it was converted to no classification on 2025-07-30.

Literature cited by the submitters: PubMed 23382499 (cited by 3 submitters); PubMed 35352813 (cited by Labcorp Genetics (formerly Invitae), Labcorp); PubMed 24314077 (cited by Labcorp Genetics (formerly Invitae), Labcorp and Ambry Genetics); PubMed 38816749 (cited by Labcorp Genetics (formerly Invitae), Labcorp); PubMed 28589536 (cited by Ambry Genetics); PubMed 38489124 (cited by Ambry Genetics).

NM_000219.6(KCNE1):c.94C>T (p.Arg32Cys)

Gene: KCNE1 (potassium voltage-gated channel subfamily E regulatory subunit 1; minus strand). Cytogenetic location: 21q22.12.
Variant type: single nucleotide variant.
Coding change: c.94C>T on transcript NM_000219.6 (MANE Select); coding-DNA position 94, C replaced by T.
Protein change: p.Arg32Cys; replaces arginine 32 with cysteine.
Molecular consequence: missense variant.
Genome position (GRCh38, 1-based): chr21:34,449,541, G>A on the plus strand (C>T on the coding strand, the complement: KCNE1 is on the minus strand). VCF-style: chr21-34449541-G-A. GRCh37 (hg19) VCF-style: chr21-35821839-G-A.
Other names: c.94C>T, p.Arg32Cys (NM_001127668.4, NM_001127669.4, NM_001127670.4 and 4 more transcripts); short protein forms R32C.
Identifiers: ClinVar variation 191466 (VCV000191466.14), dbSNP rs200963514, ClinGen allele CA236728.